The following is an entry in ClinVar:

ClinVar aggregate classification (germline): Conflicting classifications of pathogenicity. Review status: criteria provided, conflicting classifications (1 of 4 stars). 8 submissions from 8 submitters: Uncertain significance (1); Benign (3); Likely benign (3). 1 of the submissions does not count toward it. Last evaluated 2026-06-01.

Conditions:
Macrothrombocytopenia, isolated, 1, autosomal dominant (MACTHC1). Also called: Autosomal dominant macrothrombocytopenia TUBB1-related. Identifiers: Orphanet 140957, MedGen C5676892, MONDO:0800047, OMIM 613112.
TUBB1-related disorder. Also called: TUBB1-related condition.

Allele frequency attached by ClinVar (database versions not stated): 1000 Genomes Project 30x 0.00094; 1000 Genomes Project 0.00120; TOPMed 0.00250; ESP Exome Variant Server 0.00346; gnomAD exomes 0.00487 and 0.00658; gnomAD 0.00550 and 0.00583; ExAC 0.00623.

Submissions (8):

CeGaT Center for Human Genetics Tuebingen
Classification: Benign. Last evaluated: 2026-06-01. Review status: criteria provided, single submitter. Criteria: CeGaT Center For Human Genetics Tuebingen Variant Classification Criteria Version 2. Collection method: clinical testing. Allele origin: germline. Affected: yes. Observed: 6 variant alleles.
Comment: TUBB1: BS1, BS2

Labcorp Genetics (formerly Invitae), Labcorp
Classification: Benign. Last evaluated: 2026-01-27. Review status: criteria provided, single submitter. Criteria: Invitae Variant Classification Sherloc (09022015). Collection method: clinical testing. Allele origin: germline.

Mayo Clinic Laboratories, Mayo Clinic
Classification: Likely benign. Last evaluated: 2025-03-10. Review status: criteria provided, single submitter. Criteria: ACMG Guidelines, 2015. Collection method: clinical testing. Allele origin: germline. Observed: 8 variant alleles.
Comment: BS1, BS2

Blueprint Genetics
Classification: Likely benign. Last evaluated: 2024-11-28. Review status: criteria provided, single submitter. Criteria: ACMG Guidelines, 2015. Collection method: clinical testing. Allele origin: germline.

Genetic Services Laboratory, University of Chicago
Classification: Benign. Last evaluated: 2019-04-05. Review status: criteria provided, single submitter. Criteria: ACMG Guidelines, 2015. Collection method: clinical testing. Allele origin: germline. Affected: no.

Center for Pediatric Genomic Medicine, Children's Mercy Hospital and Clinics
Classification: Likely benign. Last evaluated: 2017-01-24. Review status: criteria provided, single submitter. Criteria: ACMG Guidelines, 2015. Collection method: clinical testing. Allele origin: germline.
ClinVar note: Converted during submission from Likely Benign to Likely benign.

ISTH-SSC Genomics in Thrombosis and Hemostasis, KU Leuven, Center for Molecular and Vascular Biology
Classification: Uncertain significance for Macrothrombocytopenia, isolated, 1, autosomal dominant. Review status: criteria provided, single submitter. Criteria: ACMG Guidelines, 2015. Collection method: clinical testing. Allele origin: germline. Affected: yes. Observed: 3 heterozygotes. Clinical features observed: Macrothrombocytopenia.
Comment: Submitted to GoldVariant by Jose María Bastida and José Rivera; Grupo Español de Alteraciones Plaquetarias Congénitas (GEAPC)

PreventionGenetics, part of Exact Sciences
Classification: Benign for TUBB1-related condition. Last evaluated: 2019-04-30. Review status: no assertion criteria provided. Collection method: clinical testing. Allele origin: germline. Not counted in ClinVar's aggregate classification.
Comment: This variant is classified as benign based on ACMG/AMP sequence variant interpretation guidelines (Richards et al. 2015 PMID: 25741868, with internal and published modifications).

Literature cited by the submitters: PubMed 33327716 (cited by Mayo Clinic Laboratories, Mayo Clinic); PubMed 34516618 (cited by Mayo Clinic Laboratories, Mayo Clinic).

NM_030773.4(TUBB1):c.1075C>T (p.Arg359Trp)

Gene: TUBB1 (tubulin beta 1 class VI; plus strand). Cytogenetic location: 20q13.32.
Variant type: single nucleotide variant.
Coding change: c.1075C>T on transcript NM_030773.4 (MANE Select); coding-DNA position 1075, C replaced by T.
Protein change: p.Arg359Trp; replaces arginine 359 with tryptophan.
Molecular consequence: missense variant.
Genome position (GRCh38, 1-based): chr20:59,024,502, C>T. VCF-style: chr20-59024502-C-T. GRCh37 (hg19) VCF-style: chr20-57599557-C-T.
Other names: p.Arg359Trp; short protein forms R359W.
Identifiers: ClinVar variation 377103 (VCV000377103.47), dbSNP rs140943896, ClinGen allele CA9928651.